The following is an entry in ClinVar:

NM_002541.4(OGDH):c.1837A>G (p.Ile613Val)

Gene: OGDH (oxoglutarate dehydrogenase; plus strand). Cytogenetic location: 7p13.
Variant type: single nucleotide variant.
Coding change: c.1837A>G on transcript NM_002541.4 (MANE Select); coding-DNA position 1837, A replaced by G.
Protein change: p.Ile613Val; replaces isoleucine 613 with valine.
Molecular consequence: missense variant.
Genome position (GRCh38, 1-based): chr7:44,696,494, A>G. VCF-style: chr7-44696494-A-G. GRCh37 (hg19) VCF-style: chr7-44736093-A-G.
Other names: c.1825A>G, p.Ile609Val (NM_001165036.2); c.1870A>G, p.Ile624Val (NM_001363523.2); short protein forms I609V, I613V, I624V.
Identifiers: ClinVar variation 1720710 (VCV001720710.6), dbSNP rs769545347, ClinGen allele CA4243945.
Genomic context (GRCh38, chr7:44,696,494, plus strand): 5'-TTCACCCTGGACGGGCAGCCCAGGAGCATGTCCTGCCCCTCCACGGGTCTGACGGAGGAT[A>G]TTCTGACACACATCGGGAATGTGGCTAGTTCTGTGCCTGTGGAAAACTTTACTATTCATG-3'
Protein context (NP_002532.2, residues 603-623): SCPSTGLTED[Ile613Val]LTHIGNVASS

ClinVar aggregate classification (germline): Uncertain significance (1 of 4 stars; one submission).

Conditions:
Oxoglutaricaciduria. Identifiers: Orphanet 31, MedGen C2752074, MONDO:0008759, OMIM 203740.

Allele frequency attached by ClinVar (database versions not stated): ExAC 0.00001.

Submission:

Labcorp Genetics (formerly Invitae), Labcorp
Classification: Uncertain significance for Oxoglutaricaciduria. Last evaluated: 2025-03-03. Review status: criteria provided, single submitter. Criteria: Invitae Variant Classification Sherloc (09022015). Collection method: clinical testing. Allele origin: germline.
Comment: This sequence change replaces isoleucine, which is neutral and non-polar, with valine, which is neutral and non-polar, at codon 613 of the OGDH protein (p.Ile613Val). This variant is present in population databases (rs769545347, gnomAD 0.0009%). This variant has not been reported in the literature in individuals affected with OGDH-related conditions. ClinVar contains an entry for this variant (Variation ID: 1720710). Invitae Evidence Modeling of protein sequence and biophysical properties (such as structural, functional, and spatial information, amino acid conservation, physicochemical variation, residue mobility, and thermodynamic stability) indicates that this missense variant is not expected to disrupt OGDH protein function with a negative predictive value of 80%. In summary, the available evidence is currently insufficient to determine the role of this variant in disease. Therefore, it has been classified as a Variant of Uncertain Significance.